The following is an entry in ClinVar:

NM_000474.4(TWIST1):c.410C>G (p.Thr137Arg)

Gene: TWIST1 (twist family bHLH transcription factor 1; minus strand). Cytogenetic location: 7p21.1.
Variant type: single nucleotide variant.
Coding change: c.410C>G on transcript NM_000474.4 (MANE Select); coding-DNA position 410, C replaced by G.
Protein change: p.Thr137Arg; replaces threonine 137 with arginine.
Molecular consequence: missense variant. On other transcripts: non-coding transcript variant (1).
Genome position (GRCh38, 1-based): chr7:19,116,912, G>C on the plus strand (C>G on the coding strand, the complement: TWIST1 is on the minus strand). VCF-style: chr7-19116912-G-C. GRCh37 (hg19) VCF-style: chr7-19156535-G-C.
Other names: short protein forms T137R.
Identifiers: ClinVar variation 1314150 (VCV001314150.2), dbSNP rs2115396656, ClinGen allele CA367015498.
Genomic context (GRCh38, chr7:19,116,912, plus strand): 5'-TCGATGTACCTGGCCGCCAGCTTGAGGGTCTGAATCTTGCTCAGCTTGTCCGAGGGCAGC[G>C]TGGGGATGATCTTCCGCAGCGCGGCGAACGCCTCGTTCAGCGACTGGGTGCGCTGGCGCT-3'
Protein context (NP_000465.1, residues 127-147): AFAALRKIIP[Thr137Arg]LPSDKLSKIQ

ClinVar aggregate classification (germline): Uncertain significance (1 of 4 stars; one submission).

Submission:

GeneDx
Classification: Uncertain significance. Last evaluated: 2021-02-25. Review status: criteria provided, single submitter. Criteria: GeneDx Variant Classification Process June 2021. Collection method: clinical testing. Allele origin: germline. Affected: yes.
Comment: Not observed in large population cohorts (Lek et al., 2016); In silico analysis supports that this missense variant has a deleterious effect on protein structure/function; Has not been previously published as pathogenic or benign to our knowledge